The following is an entry in ClinVar:

ClinVar aggregate classification (germline): Uncertain significance (1 of 4 stars; one submission).

Submission:

Labcorp Genetics (formerly Invitae), Labcorp
Classification: Uncertain significance. Last evaluated: 2025-02-06. Review status: criteria provided, single submitter. Criteria: Invitae Variant Classification Sherloc (09022015). Collection method: clinical testing. Allele origin: germline.
Comment: This sequence change replaces alanine, which is neutral and non-polar, with aspartic acid, which is acidic and polar, at codon 393 of the MKL1 protein (p.Ala393Asp). This variant is not present in population databases (gnomAD no frequency). This variant has not been reported in the literature in individuals affected with MKL1-related conditions. An algorithm developed to predict the effect of missense changes on protein structure and function (PolyPhen-2) suggests that this variant is likely to be tolerated. In summary, the available evidence is currently insufficient to determine the role of this variant in disease. Therefore, it has been classified as a Variant of Uncertain Significance.

NM_020831.6(MRTFA):c.1478C>A (p.Ala493Asp)

Gene: MRTFA (myocardin related transcription factor A; minus strand). Cytogenetic location: 22q13.1.
Variant type: single nucleotide variant.
Coding change: c.1478C>A on transcript NM_020831.6 (MANE Select); coding-DNA position 1478, C replaced by A.
Protein change: p.Ala493Asp; replaces alanine 493 with aspartic acid.
Molecular consequence: missense variant.
Genome position (GRCh38, 1-based): chr22:40,419,260, G>T on the plus strand (C>A on the coding strand, the complement: MRTFA is on the minus strand). VCF-style: chr22-40419260-G-T. GRCh37 (hg19) VCF-style: chr22-40815264-G-T.
Other names: c.1178C>A, p.Ala393Asp (NM_001282660.2); c.1328C>A, p.Ala443Asp (NM_001282661.3); c.1478C>A, p.Ala493Asp (NM_001282662.3); c.1283C>A, p.Ala428Asp (NM_001318139.2); short protein forms A443D, A393D, A428D, A493D.
Identifiers: ClinVar variation 4711938 (VCV004711938.1).